The following is an entry in ClinVar:

NM_001330078.2(NRXN1):c.4274G>A (p.Arg1425Gln)

Gene: NRXN1 (neurexin 1; minus strand). Cytogenetic location: 2p16.3.
Variant type: single nucleotide variant.
Coding change: c.4274G>A on transcript NM_001330078.2 (MANE Select); coding-DNA position 4274, G replaced by A.
Protein change: p.Arg1425Gln; replaces arginine 1425 with glutamine.
Molecular consequence: missense variant.
Genome position (GRCh38, 1-based): chr2:49,922,194, C>T on the plus strand (G>A on the coding strand, the complement: NRXN1 is on the minus strand). VCF-style: chr2-49922194-C-T. GRCh37 (hg19) VCF-style: chr2-50149332-C-T.
Other names: p.R1465Q:CGG>CAG; c.4394G>A, p.Arg1465Gln (NM_001135659.3); c.179G>A, p.Arg60Gln (NM_001320156.4); c.170G>A, p.Arg57Gln (NM_001320157.4); c.4250G>A, p.Arg1417Gln (NM_001330077.2); c.4241G>A, p.Arg1414Gln (NM_001330082.2); c.4109G>A, p.Arg1370Gln (NM_001330083.2); c.4208G>A, p.Arg1403Gln (NM_001330084.2); and 13 more; short protein forms R1465Q, R1365Q, R1370Q, R1403Q, R1425Q, R357Q, R387Q, R60Q.
Identifiers: ClinVar variation 206213 (VCV000206213.7), dbSNP rs201559515, ClinGen allele CA316075.

ClinVar aggregate classification (germline): Uncertain significance. Review status: criteria provided, multiple submitters, no conflicts (2 of 4 stars). 3 submissions from 3 submitters: Uncertain significance (3). Last evaluated 2024-09-14.

Conditions:
Inborn genetic diseases. Identifiers: MedGen C0950123, MeSH D030342.
Pitt-Hopkins-like syndrome 2 (PTHSL2). Identifiers: Orphanet 221150, Orphanet 600663, MedGen C3280479, MONDO:0013690, OMIM 614325.

gnomAD v4.1: 10 of 1,614,126 alleles (0.00062%); highest among the groups gnomAD compares: Non-Finnish European, 0.00085%; no homozygotes.

Submissions (3):

Labcorp Genetics (formerly Invitae), Labcorp
Classification: Uncertain significance for Pitt-Hopkins-like syndrome 2. Last evaluated: 2024-09-14. Review status: criteria provided, single submitter. Criteria: Invitae Variant Classification Sherloc (09022015). Collection method: clinical testing. Allele origin: germline.
Comment: This sequence change replaces arginine, which is basic and polar, with glutamine, which is neutral and polar, at codon 1465 of the NRXN1 protein (p.Arg1465Gln). This variant is present in population databases (rs201559515, gnomAD 0.0009%). This variant has not been reported in the literature in individuals affected with NRXN1-related conditions. ClinVar contains an entry for this variant (Variation ID: 206213). Invitae Evidence Modeling of protein sequence and biophysical properties (such as structural, functional, and spatial information, amino acid conservation, physicochemical variation, residue mobility, and thermodynamic stability) indicates that this missense variant is not expected to disrupt NRXN1 protein function with a negative predictive value of 80%. In summary, the available evidence is currently insufficient to determine the role of this variant in disease. Therefore, it has been classified as a Variant of Uncertain Significance.

Ambry Genetics
Classification: Uncertain significance for Inborn genetic diseases. Last evaluated: 2018-04-24. Review status: criteria provided, single submitter. Criteria: Ambry Variant Classification Scheme 2023. Collection method: clinical testing. Allele origin: germline.
Comment: The p.R1465Q variant (also known as c.4394G>A), located in coding exon 23 of the NRXN1 gene, results from a G to A substitution at nucleotide position 4394. The arginine at codon 1465 is replaced by glutamine, an amino acid with highly similar properties. This amino acid position is highly conserved in available vertebrate species. In addition, the in silico prediction for this alteration is inconclusive. Since supporting evidence is limited at this time, the clinical significance of this alteration remains unclear.

GeneDx
Classification: Uncertain significance. Last evaluated: 2013-08-29. Review status: criteria provided, single submitter. Criteria: GeneDx Variant Classification (06012015). Collection method: clinical testing. Allele origin: germline. Affected: yes.
Comment: The Arg1465Gln missense change has not been published as a mutation, nor has it been reported as a benign polymorphism to our knowledge. It was not observed in approximately 6,500 individuals of European and African American ancestry in the NHLBI Exome Sequencing Project, indicating it is not a common benign variant in these populations. This variant is a non-conservative amino acid substitution of a positively charged Arginine residue with an uncharged Glutamine residue at a position that is conserved across species. In silico analysis predicts this variant is probably damaging to the protein structure/function. However, missense mutations have not been reported in this region of the protein. Therefore, based on the currently available information, it is unclear whether Arg1465Gln is a disease-causing mutation or a rare benign variant. The variant is found in EPILEPSY panel(s).